The following is an entry in ClinVar:

NM_000313.4(PROS1):c.677G>A (p.Cys226Tyr)

Gene: PROS1 (protein S; minus strand). Cytogenetic location: 3q11.1.
Variant type: single nucleotide variant.
Coding change: c.677G>A on transcript NM_000313.4 (MANE Select); coding-DNA position 677, G replaced by A.
Protein change: p.Cys226Tyr; replaces cysteine 226 with tyrosine.
Molecular consequence: missense variant.
Genome position (GRCh38, 1-based): chr3:93,900,854, C>T on the plus strand (G>A on the coding strand, the complement: PROS1 is on the minus strand). VCF-style: chr3-93900854-C-T. GRCh37 (hg19) VCF-style: chr3-93619698-C-T.
Other names: c.773G>A, p.Cys258Tyr (NM_001314077.2); short protein forms C226Y, C258Y.
Identifiers: ClinVar variation 472999 (VCV000472999.5), dbSNP rs1553810751, ClinGen allele CA353673178.
Genomic context (GRCh38, chr3:93,900,854, plus strand): 5'-ATCATCCTACCTTCACAAGACTTTGATTTGAGATTATATCTGTAGCCTTCGGGGCATTCA[C>T]ATTCAAAATCTCCTGGGATGTTCTTGCACACAGCTGTGCCACAAATGCTTGGCTTCAAAG-3'
Protein context (NP_000304.2, residues 216-236): VCKNIPGDFE[Cys226Tyr]ECPEGYRYNL

ClinVar aggregate classification (germline): Uncertain significance (1 of 4 stars; one submission).

Conditions:
Thrombophilia due to protein S deficiency, autosomal recessive (THPH6). Identifiers: Orphanet 743, MedGen C3281092, MONDO:0013791, OMIM 614514. Disease mechanism: loss of function.

Allele frequency attached by ClinVar (database versions not stated): gnomAD exomes below 0.00001.
gnomAD v4.1: 3 of 1,614,084 alleles (0.00019%); highest among the groups gnomAD compares: Non-Finnish European, 0.00025%; no homozygotes.

Submission:

Labcorp Genetics (formerly Invitae), Labcorp
Classification: Uncertain significance for Thrombophilia due to protein S deficiency, autosomal recessive. Last evaluated: 2025-07-30. Review status: criteria provided, single submitter. Criteria: Invitae Variant Classification Sherloc (09022015). Collection method: clinical testing. Allele origin: germline.
Comment: This sequence change replaces cysteine, which is neutral and slightly polar, with tyrosine, which is neutral and polar, at codon 226 of the PROS1 protein (p.Cys226Tyr). This variant is not present in population databases (gnomAD no frequency). This variant has not been reported in the literature in individuals affected with PROS1-related conditions. ClinVar contains an entry for this variant (Variation ID: 472999). Invitae Evidence Modeling of protein sequence and biophysical properties (such as structural, functional, and spatial information, amino acid conservation, physicochemical variation, residue mobility, and thermodynamic stability) indicates that this missense variant is expected to disrupt PROS1 protein function with a positive predictive value of 80%. In summary, the available evidence is currently insufficient to determine the role of this variant in disease. Therefore, it has been classified as a Variant of Uncertain Significance.